The following is an entry in ClinVar:

NM_172107.4(KCNQ2):c.1378G>C (p.Ala460Pro)

Gene: KCNQ2 (potassium voltage-gated channel subfamily Q member 2; minus strand). Cytogenetic location: 20q13.33.
Variant type: single nucleotide variant.
Coding change: c.1378G>C on transcript NM_172107.4 (MANE Select); coding-DNA position 1378, G replaced by C.
Protein change: p.Ala460Pro; replaces alanine 460 with proline.
Molecular consequence: missense variant.
Genome position (GRCh38, 1-based): chr20:63,415,050, C>G on the plus strand (G>C on the coding strand, the complement: KCNQ2 is on the minus strand). VCF-style: chr20-63415050-C-G. GRCh37 (hg19) VCF-style: chr20-62046403-C-G.
Other names: c.1324G>C, p.Ala442Pro (NM_001382235.1, NM_172106.3); c.1294G>C, p.Ala432Pro (NM_004518.6); c.1288G>C, p.Ala430Pro (NM_172108.5); short protein forms A430P, A442P, A432P, A460P.
Identifiers: ClinVar variation 3644046 (VCV003644046.2).

ClinVar aggregate classification (germline): Uncertain significance (1 of 4 stars; one submission).

Conditions:
Early-infantile DEE. Also called: Early infantile epileptic encephalopathy; Ohtahara syndrome; Early infantile epileptic encephalopathy with suppression bursts. Identifiers: Orphanet 1934, MedGen C0393706, MONDO:0800491.

Submission:

Labcorp Genetics (formerly Invitae), Labcorp
Classification: Uncertain significance for Early-infantile DEE. Last evaluated: 2025-01-21. Review status: criteria provided, single submitter. Criteria: Invitae Variant Classification Sherloc (09022015). Collection method: clinical testing. Allele origin: germline.
Comment: This sequence change replaces alanine, which is neutral and non-polar, with proline, which is neutral and non-polar, at codon 460 of the KCNQ2 protein (p.Ala460Pro). This variant is not present in population databases (gnomAD no frequency). This variant has not been reported in the literature in individuals affected with KCNQ2-related conditions. Invitae Evidence Modeling of protein sequence and biophysical properties (such as structural, functional, and spatial information, amino acid conservation, physicochemical variation, residue mobility, and thermodynamic stability) has been performed for this missense variant. However, the output from this modeling did not meet the statistical confidence thresholds required to predict the impact of this variant on KCNQ2 protein function. In summary, the available evidence is currently insufficient to determine the role of this variant in disease. Therefore, it has been classified as a Variant of Uncertain Significance.